The following is an entry in ClinVar:

ClinVar aggregate classification (germline): Likely pathogenic (1 of 4 stars; one submission).

Conditions:
Glycine encephalopathy. Also called: Nonketotic hyperglycinemia; Non-ketotic hyperglycinemia. Identifiers: Orphanet 407, MedGen C0751748, MONDO:0011612, HP:0008288.

Allele frequency attached by ClinVar (database versions not stated): TOPMed below 0.00001; gnomAD 0.00001.
gnomAD v4.1: 1 of 1,614,086 alleles (0.000062%); highest among the groups gnomAD compares: African/African-American, 0.0013%; no homozygotes.

Submission:

Labcorp Genetics (formerly Invitae), Labcorp
Classification: Likely pathogenic for Glycine encephalopathy. Last evaluated: 2019-05-14. Review status: criteria provided, single submitter. Criteria: Invitae Variant Classification Sherloc (09022015). Collection method: clinical testing. Allele origin: germline.
Comment: This sequence change affects a donor splice site in intron 17 of the GLDC gene. It is expected to disrupt RNA splicing and likely results in an absent or disrupted protein product. This variant is not present in population databases (ExAC no frequency). This variant has not been reported in the literature in individuals with GLDC-related conditions. Algorithms developed to predict the effect of sequence changes on RNA splicing suggest that this variant may disrupt the consensus splice site, but this prediction has not been confirmed by published transcriptional studies. Donor and acceptor splice site variants typically lead to a loss of protein function (PMID: 16199547), and loss-of-function variants in GLDC are known to be pathogenic (PMID: 16601880). In summary, the currently available evidence indicates that the variant is pathogenic, but additional data are needed to prove that conclusively. Therefore, this variant has been classified as Likely Pathogenic.

Literature cited by the submitters: PubMed 16199547; PubMed 16601880.

NM_000170.3(GLDC):c.2052+1G>C

Gene: GLDC (glycine decarboxylase; minus strand). Cytogenetic location: 9p24.1.
Variant type: single nucleotide variant.
Coding change: c.2052+1G>C on transcript NM_000170.3 (MANE Select); the canonical splice donor site of the intron after coding-DNA position 2052, G replaced by C.
Molecular consequence: splice donor variant.
Genome position (GRCh38, 1-based): chr9:6,558,558, C>G on the plus strand (G>C on the coding strand, the complement: GLDC is on the minus strand). VCF-style: chr9-6558558-C-G. GRCh37 (hg19) VCF-style: chr9-6558558-C-G.
Identifiers: ClinVar variation 951377 (VCV000951377.3), dbSNP rs765906340, ClinGen allele CA188651589.